The following is an entry in ClinVar:

NM_014028.4(OSTM1):c.25C>T (p.Gln9Ter)

Genes: OSTM1 (osteoclastogenesis associated transmembrane protein 1; minus strand), LOC129996933 (ATAC-STARR-seq lymphoblastoid silent region 17446; plus strand). Cytogenetic location: 6q21.
Variant type: single nucleotide variant.
Coding change: c.25C>T on transcript NM_014028.4 (MANE Select); coding-DNA position 25, C replaced by T.
Protein change: p.Gln9Ter; replaces glutamine 9 with a stop codon.
Molecular consequence: nonsense.
Genome position (GRCh38, 1-based): chr6:108,074,627, G>A on the plus strand (C>T on the coding strand, the complement: OSTM1 is on the minus strand). VCF-style: chr6-108074627-G-A. GRCh37 (hg19) VCF-style: chr6-108395831-G-A.
Other names: short protein forms Q9*.
Identifiers: ClinVar variation 2903667 (VCV002903667.5), dbSNP rs752090052, ClinGen allele CA365331531.

ClinVar aggregate classification (germline): Pathogenic/Likely pathogenic. Review status: criteria provided, multiple submitters, no conflicts (2 of 4 stars). 3 submissions from 3 submitters: Pathogenic (1); Likely pathogenic (2). Last evaluated 2024-06-04.

Conditions:
Autosomal recessive osteopetrosis 5. Identifiers: Orphanet 85179, MedGen C1968603, MONDO:0009817, OMIM 259720.
OSTM1-related disorders.

Submissions (3):

Fulgent Genetics
Classification: Likely pathogenic for Autosomal recessive osteopetrosis 5. Last evaluated: 2024-06-04. Review status: criteria provided, single submitter. Criteria: ACMG Guidelines, 2015. Collection method: clinical testing. Allele origin: germline.

Labcorp Genetics (formerly Invitae), Labcorp
Classification: Pathogenic. Last evaluated: 2024-01-28. Review status: criteria provided, single submitter. Criteria: Invitae Variant Classification Sherloc (09022015). Collection method: clinical testing. Allele origin: germline.
Comment: This sequence change creates a premature translational stop signal (p.Gln9*) in the OSTM1 gene. It is expected to result in an absent or disrupted protein product. Loss-of-function variants in OSTM1 are known to be pathogenic (PMID: 12627228, 15108279, 16813530). The frequency data for this variant in the population databases is considered unreliable, as metrics indicate poor data quality at this position in the gnomAD database. This variant has not been reported in the literature in individuals affected with OSTM1-related conditions. For these reasons, this variant has been classified as Pathogenic.

Blueprint Genetics
Classification: Likely pathogenic for OSTM1-related disorders. Last evaluated: 2021-07-28. Review status: criteria provided, single submitter. Criteria: ACMG Guidelines, 2015. Collection method: clinical testing. Allele origin: germline. Affected: yes. Observed: 1 variant allele.

Literature cited by the submitters: PubMed 12627228 (cited by Labcorp Genetics (formerly Invitae), Labcorp); PubMed 15108279 (cited by Labcorp Genetics (formerly Invitae), Labcorp); PubMed 16813530 (cited by Labcorp Genetics (formerly Invitae), Labcorp).